The following is an entry in ClinVar:

NM_001287.6(CLCN7):c.1586G>T (p.Gly529Val)

Gene: CLCN7 (chloride voltage-gated channel 7; minus strand). Cytogenetic location: 16p13.3.
Variant type: single nucleotide variant.
Coding change: c.1586G>T on transcript NM_001287.6 (MANE Select); coding-DNA position 1586, G replaced by T.
Protein change: p.Gly529Val; replaces glycine 529 with valine.
Molecular consequence: missense variant.
Genome position (GRCh38, 1-based): chr16:1,450,528, C>A on the plus strand (G>T on the coding strand, the complement: CLCN7 is on the minus strand). VCF-style: chr16-1450528-C-A. GRCh37 (hg19) VCF-style: chr16-1500529-C-A.
Other names: c.1514G>T, p.Gly505Val (NM_001114331.3); short protein forms G529V, G505V.
Identifiers: ClinVar variation 1411345 (VCV001411345.6), dbSNP rs1313701099, ClinGen allele CA394187450.
Genomic context (GRCh38, chr16:1,450,528, plus strand): 5'-CCCACAGCCTCCCCTCCGGCCCCACTCACCGCCGCCCCCGTGAGGTAGGACAGGGAGATC[C>A]CAAAGAGCCGGCCCCAGGCAGCCCCGATGAGCAGGGACGGGATGAAGACCCCGGCAGACA-3'
Protein context (NP_001278.1, residues 519-539): LIGAAWGRLF[Gly529Val]ISLSYLTGAA

ClinVar aggregate classification (germline): Uncertain significance (1 of 4 stars; one submission).

Submission:

Labcorp Genetics (formerly Invitae), Labcorp
Classification: Uncertain significance. Last evaluated: 2022-02-04. Review status: criteria provided, single submitter. Criteria: Invitae Variant Classification Sherloc (09022015). Collection method: clinical testing. Allele origin: germline.
Comment: In summary, the available evidence is currently insufficient to determine the role of this variant in disease. Therefore, it has been classified as a Variant of Uncertain Significance. Algorithms developed to predict the effect of missense changes on protein structure and function are either unavailable or do not agree on the potential impact of this missense change (SIFT: "Deleterious"; PolyPhen-2: "Probably Damaging"; Align-GVGD: "Class C0"). This variant has not been reported in the literature in individuals affected with CLCN7-related conditions. This variant is not present in population databases (gnomAD no frequency). This sequence change replaces glycine, which is neutral and non-polar, with valine, which is neutral and non-polar, at codon 529 of the CLCN7 protein (p.Gly529Val).